The following is an entry in ClinVar:

NM_001145715.3(KPNA7):c.635C>T (p.Pro212Leu)

Gene: KPNA7 (karyopherin subunit alpha 7; minus strand). Cytogenetic location: 7q22.1.
Variant type: single nucleotide variant.
Coding change: c.635C>T on transcript NM_001145715.3 (MANE Select); coding-DNA position 635, C replaced by T.
Protein change: p.Pro212Leu; replaces proline 212 with leucine.
Molecular consequence: missense variant.
Genome position (GRCh38, 1-based): chr7:99,193,020, G>A on the plus strand (C>T on the coding strand, the complement: KPNA7 is on the minus strand). VCF-style: chr7-99193020-G-A. GRCh37 (hg19) VCF-style: chr7-98790643-G-A.
Other names: short protein forms P212L.
Identifiers: ClinVar variation 1408498 (VCV001408498.7), dbSNP rs568988637, ClinGen allele CA4363225.

ClinVar aggregate classification (germline): Uncertain significance. Review status: criteria provided, single submitter (1 of 4 stars). 2 submissions from 2 submitters: Uncertain significance (1). 1 of the submissions does not count toward it. Last evaluated 2024-11-05.

Conditions:
Oocyte/zygote/embryo maturation arrest 17 (OZEMA17). Identifiers: MedGen C5830418, MONDO:0957220, OMIM 620319.

Allele frequency attached by ClinVar (database versions not stated): TOPMed 0.00003; gnomAD 0.00004 and 0.00005; ExAC 0.00005; gnomAD exomes 0.00005 and 0.00007; 1000 Genomes Project 30x 0.00016; 1000 Genomes Project 0.00020.
gnomAD v4.1: 73 of 1,495,980 alleles (0.0049%); highest among the groups gnomAD compares: East Asian, 0.018%; no homozygotes.

Submissions (2):

Labcorp Genetics (formerly Invitae), Labcorp
Classification: Uncertain significance. Last evaluated: 2024-11-05. Review status: criteria provided, single submitter. Criteria: Invitae Variant Classification Sherloc (09022015). Collection method: clinical testing. Allele origin: germline.
Comment: This sequence change replaces proline, which is neutral and non-polar, with leucine, which is neutral and non-polar, at codon 212 of the KPNA7 protein (p.Pro212Leu). This variant is present in population databases (rs568988637, gnomAD 0.01%). This missense change has been observed in individual(s) with KPNA7-related conditions (PMID: 36647821). ClinVar contains an entry for this variant (Variation ID: 1408498). An algorithm developed to predict the effect of missense changes on protein structure and function (PolyPhen-2) suggests that this variant is likely to be disruptive. Experimental studies have shown that this missense change affects KPNA7 function (PMID: 36647821). In summary, the available evidence is currently insufficient to determine the role of this variant in disease. Therefore, it has been classified as a Variant of Uncertain Significance.

OMIM
Classification: Pathogenic for OOCYTE/ZYGOTE/EMBRYO MATURATION ARREST 17. Last evaluated: 2023-04-10. Review status: no assertion criteria provided. Collection method: literature only. Allele origin: germline. Not counted in ClinVar's aggregate classification.

Literature cited by the submitters: PubMed 36647821 (cited by Labcorp Genetics (formerly Invitae), Labcorp and OMIM).